The following is an entry in ClinVar:

NM_004380.3(CREBBP):c.3779+1G>C

Gene: CREBBP (CREB binding lysine acetyltransferase; minus strand). Cytogenetic location: 16p13.3.
Variant type: single nucleotide variant.
Coding change: c.3779+1G>C on transcript NM_004380.3 (MANE Select); the canonical splice donor site of the intron after coding-DNA position 3779, G replaced by C.
Molecular consequence: splice donor variant.
Genome position (GRCh38, 1-based): chr16:3,751,725, C>G on the plus strand (G>C on the coding strand, the complement: CREBBP is on the minus strand). VCF-style: chr16-3751725-C-G. GRCh37 (hg19) VCF-style: chr16-3801726-C-G.
Other names: c.3665+1G>C (NM_001079846.1).
Identifiers: ClinVar variation 975524 (VCV000975524.2), dbSNP rs587783483, ClinGen allele CA394567958.

ClinVar aggregate classification (germline): Likely pathogenic. Review status: criteria provided, single submitter (1 of 4 stars). 2 submissions from 2 submitters: Likely pathogenic (1). 1 of the submissions does not count toward it. Last evaluated 2020-06-12.

Conditions:
Rubinstein-Taybi syndrome due to CREBBP mutations (RSTS1). Also called: RUBINSTEIN-TAYBI SYNDROME 1, INCOMPLETE; Rubinstein-Taybi syndrome 1; CREBBP-Related Rubinstein-Taybi Syndrome; BROAD THUMBS AND GREAT TOES, CHARACTERISTIC FACIES, AND IMPAIRED INTELLECTUAL DEVELOPMENT; BROAD THUMB-HALLUX SYNDROME; RUBINSTEIN SYNDROME. Identifiers: Orphanet 353277, Orphanet 783, MedGen C4551859, MONDO:0008393, OMIM 180849.

Submissions (2):

New York Genome Center
Classification: Likely pathogenic for Rubinstein-Taybi syndrome due to CREBBP mutations. Last evaluated: 2020-06-12. Review status: criteria provided, single submitter. Criteria: NYGC Assertion Criteria 2020. Collection method: clinical testing. Allele origin: de novo. Observed: 1 heterozygote. Study: CSER-NYCKidSeq.
Comment: The c.3779+1G>C canonical splice site variant identified in the CREBBP gene has not been reported in the literature. A de novo allelic variant c.3779+1G>A has been reported in anindividual with intellectual disability, short stature, dysmorphic features, but no broad thumbs or great toes as usually seen in Rubinstein-Taybi syndrome [PMID: 27165009] and another de novo allelic variant c.3779+1G>T has been reported in an individual with classical Rubinstein-Taybi syndrome phenotype [PMID: 29132461]. The c.3779+1G>C splice site variant is not reported in gnomAD database indicating this is a rare allele and predicted to damage the canonical splice donor site in intron 20, leads to skipping of exon 20 resulting in-frame deletion of 81 bp in the CREBBP gene [PMID: 27165009]. At the protein level, the deletion of 27 amino acids partially deletes the DUF902 domain which is localized in the histone acetyltransferase (HAT) domain. As most missense mutations found in Rubinstein-Taybi syndrome are clustered in the HAT domain, it was suggested that loss of HAT activity may be sufficient to cause Rubinstein-Taybi syndrome [PMID: 27165009]. Based on the available evidence, the variant c.3779+1G>C in the CREBBP gene is classified as likely pathogenic.

Centre de Biologie Pathologie Génétique, Centre Hospitalier Universitaire de Lille
Classification: Pathogenic for Rubinstein-Taybi syndrome 1. Last evaluated: 2019-01-01. Review status: no assertion criteria provided. Collection method: clinical testing. Allele origin: de novo. Affected: yes. Not counted in ClinVar's aggregate classification.